The following is an entry in ClinVar:

NM_000215.4(JAK3):c.3371_3372insTTTTTTTTTTTTTTTTTTTTNNNNNNNNNNTGCCCTGGGCCGCAGCGCAGCCGCGCAAACCACCACCCGCGGCCACCATGGCCGGACAGTATAATTTCCCCTGTCCTTTTC (p.Ser1124_Ter1125insPhePhePhePhePhePheXaaXaaXaaXaaAlaLeuGlyArgSerAlaAlaAlaGlnThrThrThrArgGlyHisHisGlyArgThrValTer)

Gene: JAK3 (Janus kinase 3; minus strand). Cytogenetic location: 19p13.11.
Variant type: Insertion.
Coding change: c.3371_3372insTTTTTTTTTTTTTTTTTTTTNNNNNNNNNNTGCCCTGGGCCGCAGCGCAGCCGCGCAAACCACCACCCGCGGCCACCATGGCCGGACAGTATAATTTCCCCTGTCCTTTTC on transcript NM_000215.4 (MANE Select); coding-DNA positions 3371 to 3372, TTTTTTTTTTTTTTTTTTTTNNNNNNNNNNTGCCCTGGGCCGCAGCGCAGCCGCGCAAACCACCACCCGCGGCCACCATGGCCGGACAGTATAATTTCCCCTGTCCTTTTC inserted.
Protein change: p.Ser1124_Ter1125insPhePhePhePhePhePheXaaXaaXaaXaaAlaLeuGlyArgSerAlaAlaAlaGlnThrThrThrArgGlyHisHisGlyArgThrValTer.
Molecular consequence: nonsense, inframe insertion.
Genome position: GRCh38: chr19:17,826,759-17,826,760. GRCh37 (hg19): chr19:17,937,568-17,937,569.
Identifiers: ClinVar variation 2696185 (VCV002696185.1), dbSNP rs2514537464.

ClinVar aggregate classification (germline): Pathogenic (1 of 4 stars; one submission).

Conditions:
T-B+ severe combined immunodeficiency due to JAK3 deficiency. Also called: SCID, autosomal recessive, T-negative/B-positive type; SCID, T CELL-NEGATIVE, B CELL-POSITIVE, NK CELL-NEGATIVE. Identifiers: Orphanet 35078, MedGen C1833275, MONDO:0010938, OMIM 600802.

Submission:

Labcorp Genetics (formerly Invitae), Labcorp
Classification: Pathogenic for T-B+ severe combined immunodeficiency due to JAK3 deficiency. Last evaluated: 2023-11-15. Review status: criteria provided, single submitter. Criteria: Invitae Variant Classification Sherloc (09022015). Collection method: clinical testing. Allele origin: germline.
Comment: This sequence change inserts a large fragment of DNA, likely a transposable element, in exon 24 of the JAK3 gene (c.3371_3372ins?), causing a frameshift at codon 1124 (p.Ser1124fs). The exact size and sequence of the insertion cannot be determined by the current assay. However, the insertion is expected to result in an absent or disrupted protein product. This variant is not present in population databases (gnomAD no frequency). This variant has not been reported in the literature in individuals affected with JAK3-related conditions. Retrotransposon insertions including LINE1 (L1), Alu, and SVA (SINE-VNTR-Alu) have been reported to be disease-causing through disruption of either a coding region or splice site (PMID: 19763152, 20307669, 22406018) and loss-of-function variants in JAK3 are known to be pathogenic (PMID: 7481768, 11668621). For these reasons, this variant has been classified as Pathogenic.

Literature cited by the submitters: PubMed 19763152; PubMed 20307669; PubMed 22406018; PubMed 7481768; PubMed 11668621.